The following is an entry in ClinVar:

NM_175914.5(HNF4A):c.*392T>G

Gene: HNF4A (hepatocyte nuclear factor 4 alpha; plus strand). Cytogenetic location: 20q13.12.
Variant type: single nucleotide variant.
Coding change: c.*392T>G on transcript NM_175914.5 (MANE Select); 392 bases downstream of the stop codon, T replaced by G.
Molecular consequence: 3 prime UTR variant.
Genome position (GRCh38, 1-based): chr20:44,430,057, T>G. VCF-style: chr20-44430057-T-G. GRCh37 (hg19) VCF-style: chr20-43058697-T-G.
Other names: c.*392T>G (NM_000457.6, NM_001030003.3, NM_001258355.2 and 3 more transcripts).
Identifiers: ClinVar variation 338440 (VCV000338440.9), dbSNP rs11086926, ClinGen allele CA10643886.
Genomic context (GRCh38, chr20:44,430,057, plus strand): 5'-GGCCTTACTTAAACCCAGCTCCCTTCTTCCCTAGCCTGGTGCTTCTCCTCTCCTAGCCCC[T>G]GTCATGGTGTCCAGACAGAGCCCTGTGAGGCTGGGTCCAATTGTGGCACTTGGGGCACCT-3'

ClinVar aggregate classification (germline): Benign. Review status: criteria provided, multiple submitters, no conflicts (2 of 4 stars). 4 submissions from 3 submitters: Benign (4). Last evaluated 2021-05-12.

Conditions:
Maturity-onset diabetes of the young type 1. Also called: MILD JUVENILE DIABETES MELLITUS; MODY type 1; Diabetes mellitus MODY type 1; MODY HNF4A related; HNF4A-Related Maturity-Onset Diabetes of the Young Type 1; MODY, type I. Identifiers: Orphanet 552, MedGen C1852093, MONDO:0007452, OMIM 125850. Disease mechanism: loss of function.
Familial hyperinsulinism. Also called: Congenital hyperinsulinism. Identifiers: Orphanet 276525, MedGen C3888018, MONDO:0017182. Disease mechanism: loss of function.

Allele frequency attached by ClinVar (database versions not stated): gnomAD exomes 0.05766; 1000 Genomes Project 0.12400; gnomAD 0.12716 and 0.13032; 1000 Genomes Project 30x 0.12851; TOPMed 0.13799.
gnomAD v4.1: 22,378 of 206,482 alleles (11%); highest among the groups gnomAD compares: African/African-American, 26%; 1,906 homozygotes.

Submissions (4):

GeneDx
Classification: Benign. Last evaluated: 2021-05-12. Review status: criteria provided, single submitter. Criteria: GeneDx Variant Classification Process June 2021. Collection method: clinical testing. Allele origin: germline. Affected: yes.

Illumina Laboratory Services, Illumina
Classification: Benign for Maturity-onset diabetes of the young type 1. Last evaluated: 2018-01-12. Review status: criteria provided, single submitter. Criteria: ICSL Variant Classification Criteria 13 December 2019. Collection method: clinical testing. Allele origin: germline.
Comment: This variant was observed in the ICSL laboratory as part of a predisposition screen in an ostensibly healthy population. It had not been previously curated by ICSL or reported in the Human Gene Mutation Database (HGMD: prior to June 1st, 2018), and was therefore a candidate for classification through an automated scoring system. Utilizing variant allele frequency, disease prevalence and penetrance estimates, and inheritance mode, an automated score was calculated to assess if this variant is too frequent to cause the disease. Based on the score and internal cut-off values, a variant classified as benign is not then subjected to further curation. The score for this variant resulted in a classification of benign for this disease.

Illumina Laboratory Services, Illumina
Classification: Benign for Familial hyperinsulinism. Last evaluated: 2018-01-12. Review status: criteria provided, single submitter. Criteria: ICSL Variant Classification Criteria 13 December 2019. Collection method: clinical testing. Allele origin: germline.
Comment: the same text as in the submission from Illumina Laboratory Services, Illumina above.

Breakthrough Genomics
Classification: Benign. Review status: criteria provided, single submitter. Criteria: ACMG Guidelines, 2015. Collection method: not provided. Allele origin: germline. Inheritance: Autosomal dominant inheritance. Affected: yes.